The following is an entry in ClinVar:

NM_015404.4(WHRN):c.851T>C (p.Leu284Pro)

Gene: WHRN (whirlin; minus strand). Cytogenetic location: 9q32.
Variant type: single nucleotide variant.
Coding change: c.851T>C on transcript NM_015404.4 (MANE Select); coding-DNA position 851, T replaced by C.
Protein change: p.Leu284Pro; replaces leucine 284 with proline.
Molecular consequence: missense variant. On other transcripts: 5 prime UTR variant (1).
Genome position (GRCh38, 1-based): chr9:114,466,379, A>G on the plus strand (T>C on the coding strand, the complement: WHRN is on the minus strand). VCF-style: chr9-114466379-A-G. GRCh37 (hg19) VCF-style: chr9-117228659-A-G.
Other names: c.-299T>C (NM_001083885.3); c.851T>C, p.Leu284Pro (NM_001173425.2); short protein forms L284P.
Identifiers: ClinVar variation 2121488 (VCV002121488.1), dbSNP rs2492994088, ClinGen allele CA374619809.

ClinVar aggregate classification (germline): Uncertain significance (1 of 4 stars; one submission).

Submission:

Labcorp Genetics (formerly Invitae), Labcorp
Classification: Uncertain significance. Last evaluated: 2022-04-04. Review status: criteria provided, single submitter. Criteria: Invitae Variant Classification Sherloc (09022015). Collection method: clinical testing. Allele origin: germline.
Comment: This sequence change replaces leucine, which is neutral and non-polar, with proline, which is neutral and non-polar, at codon 284 of the WHRN protein (p.Leu284Pro). This variant is not present in population databases (gnomAD no frequency). This variant has not been reported in the literature in individuals affected with WHRN-related conditions. Algorithms developed to predict the effect of missense changes on protein structure and function are either unavailable or do not agree on the potential impact of this missense change (SIFT: "Deleterious"; PolyPhen-2: "Probably Damaging"; Align-GVGD: "Class C0"). In summary, the available evidence is currently insufficient to determine the role of this variant in disease. Therefore, it has been classified as a Variant of Uncertain Significance.